The following is an entry in ClinVar:

ClinVar aggregate classification (germline): Likely benign. Review status: criteria provided, multiple submitters, no conflicts (2 of 4 stars). 2 submissions from 2 submitters: Likely benign (2). Last evaluated 2021-05-16.

Conditions:
ANO5-Related Muscle Diseases. Identifiers: MedGen CN180644.

Allele frequency attached by ClinVar (database versions not stated): 1000 Genomes Project 0.00599; TOPMed 0.01339; gnomAD 0.01340 and 0.01300; 1000 Genomes Project 30x 0.00578.

Submissions (2):

GeneDx
Classification: Likely benign. Last evaluated: 2021-05-16. Review status: criteria provided, single submitter. Criteria: GeneDx Variant Classification Process June 2021. Collection method: clinical testing. Allele origin: germline. Affected: yes.

Illumina Laboratory Services, Illumina
Classification: Likely benign for ANO5-Related Muscle Diseases. Last evaluated: 2018-01-13. Review status: criteria provided, single submitter. Criteria: ICSL Variant Classification Criteria 13 December 2019. Collection method: clinical testing. Allele origin: germline.
Comment: This variant was observed in the ICSL laboratory as part of a predisposition screen in an ostensibly healthy population. It had not been previously curated by ICSL or reported in the Human Gene Mutation Database (HGMD: prior to June 1st, 2018), and was therefore a candidate for classification through an automated scoring system. Utilizing variant allele frequency, disease prevalence and penetrance estimates, and inheritance mode, an automated score was calculated to assess if this variant is too frequent to cause the disease. Based on the score and internal cut-off values, a variant classified as likely benign is not then subjected to further curation. The score for this variant resulted in a classification of likely benign for this disease.

NM_213599.3(ANO5):c.*3155T>C

Gene: ANO5 (anoctamin 5; plus strand). Cytogenetic location: 11p14.3.
Variant type: single nucleotide variant.
Coding change: c.*3155T>C on transcript NM_213599.3 (MANE Select); 3155 bases downstream of the stop codon, T replaced by C.
Molecular consequence: 3 prime UTR variant.
Genome position (GRCh38, 1-based): chr11:22,282,920, T>C. VCF-style: chr11-22282920-T-C. GRCh37 (hg19) VCF-style: chr11-22304466-T-C.
Other names: c.*3155T>C (NM_001142649.2).
Identifiers: ClinVar variation 304161 (VCV000304161.7), dbSNP rs78929863, ClinGen allele CA10638220.